The following is an entry in ClinVar:

NM_000179.3(MSH6):c.2565T>G (p.Ile855Met)

Gene: MSH6 (mutS homolog 6; plus strand). Cytogenetic location: 2p16.3.
Variant type: single nucleotide variant.
Coding change: c.2565T>G on transcript NM_000179.3 (MANE Select); coding-DNA position 2565, T replaced by G.
Protein change: p.Ile855Met; replaces isoleucine 855 with methionine.
Molecular consequence: missense variant.
Genome position (GRCh38, 1-based): chr2:47,800,548, T>G. VCF-style: chr2-47800548-T-G. GRCh37 (hg19) VCF-style: chr2-48027687-T-G.
Other names: c.2175T>G, p.Ile725Met (NM_001281492.2); c.1659T>G, p.Ile553Met (NM_001281493.2, NM_001281494.2); short protein forms I855M, I553M, I725M.
Identifiers: ClinVar variation 418822 (VCV000418822.10), dbSNP rs1064793456, ClinGen allele CA16617676.

ClinVar aggregate classification (germline): Uncertain significance. Review status: criteria provided, multiple submitters, no conflicts (2 of 4 stars). 2 submissions from 2 submitters: Uncertain significance (2). Last evaluated 2023-09-14.

Conditions:
Hereditary nonpolyposis colorectal neoplasms. Identifiers: MedGen C0009405, MeSH D003123.

gnomAD v4.1: 2 of 1,613,674 alleles (0.00012%); highest among the groups gnomAD compares: Non-Finnish European, 0.00017%; no homozygotes.

Submissions (2):

Labcorp Genetics (formerly Invitae), Labcorp
Classification: Uncertain significance for Hereditary nonpolyposis colorectal neoplasms. Last evaluated: 2023-09-14. Review status: criteria provided, single submitter. Criteria: Invitae Variant Classification Sherloc (09022015). Collection method: clinical testing. Allele origin: germline.
Comment: Advanced modeling of protein sequence and biophysical properties (such as structural, functional, and spatial information, amino acid conservation, physicochemical variation, residue mobility, and thermodynamic stability) performed at Invitae indicates that this missense variant is not expected to disrupt MSH6 protein function. ClinVar contains an entry for this variant (Variation ID: 418822). In summary, the available evidence is currently insufficient to determine the role of this variant in disease. Therefore, it has been classified as a Variant of Uncertain Significance. This variant has not been reported in the literature in individuals affected with MSH6-related conditions. This variant is not present in population databases (gnomAD no frequency). This sequence change replaces isoleucine, which is neutral and non-polar, with methionine, which is neutral and non-polar, at codon 855 of the MSH6 protein (p.Ile855Met).

GeneDx
Classification: Uncertain significance. Last evaluated: 2015-04-02. Review status: criteria provided, single submitter. Criteria: GeneDx Variant Classification (06012015). Collection method: clinical testing. Allele origin: germline. Affected: yes.
Comment: This variant is denoted MSH6 c.2565T>G at the cDNA level, p.Ile855Met (I855M) at the protein level, and results in the change of an Isoleucine to a Methionine (ATT>ATG). This variant has not, to our knowledge, been published in the literature as pathogenic or benign. MSH6 Ile855Met was not observed in approximately 6,500 individuals of European and African American ancestry in the NHLBI Exome Sequencing Project, indicating it is not a common benign variant in these populations. Since Isoleucine and Methionine share similar properties, this is considered a conservative amino acid substitution. MSH6 Ile855Met occurs at a position that is not conserved across species and is located within domain III of the MutS domain (Terui 2013). In silico analyses predict that this variant is probably damaging to protein structure and function. Based on currently available information, it is unclear whether MSH6 Ile855Met is pathogenic or benign. We consider it to be a variant of uncertain significance.